The following is an entry in ClinVar:

ClinVar aggregate classification (germline): Uncertain significance (1 of 4 stars; one submission).

Conditions:
Atrial fibrillation, familial, 11 (ATFB11). Identifiers: MedGen C3279693, MONDO:0013544, OMIM 614049.
Atrial standstill 1 (ATRST1). Also called: Atrial standstill, digenic (GJA5/SCN5A); ATRIAL CARDIOMYOPATHY WITH HEART BLOCK; CARDIOMYOPATHY, FAMILIAL, WITH CONDUCTION DISTURBANCE. Identifiers: Orphanet 1344, MedGen C4551959, MONDO:0007171, OMIM 108770.

Allele frequency attached by ClinVar (database versions not stated): gnomAD exomes below 0.00001; gnomAD 0.00001; TOPMed 0.00001.
gnomAD v4.1: 2 of 1,614,020 alleles (0.00012%); highest among the groups gnomAD compares: Admixed American, 0.0017%; no homozygotes.

Submission:

Labcorp Genetics (formerly Invitae), Labcorp
Classification: Uncertain significance for Atrial fibrillation, familial, 11; Atrial standstill 1. Last evaluated: 2025-07-27. Review status: criteria provided, single submitter. Criteria: Invitae Variant Classification Sherloc (09022015). Collection method: clinical testing. Allele origin: germline.
Comment: This sequence change replaces threonine, which is neutral and polar, with serine, which is neutral and polar, at codon 298 of the GJA5 protein (p.Thr298Ser). This variant is not present in population databases (gnomAD no frequency). This variant has not been reported in the literature in individuals affected with GJA5-related conditions. ClinVar contains an entry for this variant (Variation ID: 1345427). Invitae Evidence Modeling of protein sequence and biophysical properties (such as structural, functional, and spatial information, amino acid conservation, physicochemical variation, residue mobility, and thermodynamic stability) indicates that this missense variant is not expected to disrupt GJA5 protein function with a negative predictive value of 80%. In summary, the available evidence is currently insufficient to determine the role of this variant in disease. Therefore, it has been classified as a Variant of Uncertain Significance.

NM_181703.4(GJA5):c.893C>G (p.Thr298Ser)

Gene: GJA5 (gap junction protein alpha 5; minus strand). Cytogenetic location: 1q21.2.
Variant type: single nucleotide variant.
Coding change: c.893C>G on transcript NM_181703.4 (MANE Select); coding-DNA position 893, C replaced by G.
Protein change: p.Thr298Ser; replaces threonine 298 with serine.
Molecular consequence: missense variant.
Genome position (GRCh38, 1-based): chr1:147,758,346, G>C on the plus strand (C>G on the coding strand, the complement: GJA5 is on the minus strand). VCF-style: chr1-147758346-G-C. GRCh37 (hg19) VCF-style: chr1-147230454-G-C.
Other names: c.893C>G, p.Thr298Ser (NM_005266.7); short protein forms T298S.
Identifiers: ClinVar variation 1345427 (VCV001345427.6), dbSNP rs1454021397, ClinGen allele CA342394123.